The following is an entry in ClinVar:

ClinVar aggregate classification (germline): Uncertain significance. Review status: criteria provided, multiple submitters, no conflicts (2 of 4 stars). 3 submissions from 3 submitters: Uncertain significance (3). Last evaluated 2025-10-29.

Conditions:
Charcot-Marie-Tooth disease axonal type 2O. Also called: CHARCOT-MARIE-TOOTH NEUROPATHY, AXONAL, TYPE 2O; CHARCOT-MARIE-TOOTH DISEASE, AXONAL, AUTOSOMAL DOMINANT, TYPE 2O; Charcot-Marie-Tooth disease, axonal, type 20; Charcot-Marie-Tooth Neuropathy Type 2O. Identifiers: Orphanet 284232, MedGen C3280220, MONDO:0013644, OMIM 614228.

Allele frequency attached by ClinVar (database versions not stated): gnomAD exomes below 0.00001.
gnomAD v4.1: 2 of 1,614,168 alleles (0.00012%); highest among the groups gnomAD compares: South Asian, 0.0011%; no homozygotes.

Submissions (3):

GeneDx
Classification: Uncertain significance. Last evaluated: 2025-10-29. Review status: criteria provided, single submitter. Criteria: GeneDx Variant Classification Process June 2021. Collection method: clinical testing. Allele origin: germline. Affected: yes.
Comment: Observed in a patient with intellectual disability and elevated urine guanidinoacetic acid; however, variants in another gene were also identified and information regarding parental testing was not provided (PMID: 30687093); Reported as a variant of uncertain significance in a proband with tropical ataxic neuropathy (PMID: 38975939); Not observed at significant frequency in large population cohorts (gnomAD); In silico analysis supports that this missense variant has a deleterious effect on protein structure/function; This variant is associated with the following publications: (PMID: 25512093, 26100331, 25609763, 30687093, 38975939)

Labcorp Genetics (formerly Invitae), Labcorp
Classification: Uncertain significance for Charcot-Marie-Tooth disease axonal type 2O. Last evaluated: 2023-09-13. Review status: criteria provided, single submitter. Criteria: Invitae Variant Classification Sherloc (09022015). Collection method: clinical testing. Allele origin: germline.
Comment: In summary, the available evidence is currently insufficient to determine the role of this variant in disease. Therefore, it has been classified as a Variant of Uncertain Significance. Advanced modeling of protein sequence and biophysical properties (such as structural, functional, and spatial information, amino acid conservation, physicochemical variation, residue mobility, and thermodynamic stability) performed at Invitae indicates that this missense variant is not expected to disrupt DYNC1H1 protein function. ClinVar contains an entry for this variant (Variation ID: 992317). This missense change has been observed in individual(s) with neurological disease (PMID: 30687093). This variant is not present in population databases (gnomAD no frequency). This sequence change replaces asparagine, which is neutral and polar, with serine, which is neutral and polar, at codon 1222 of the DYNC1H1 protein (p.Asn1222Ser).

Greenwood Genetic Center Diagnostic Laboratories, Greenwood Genetic Center
Classification: Uncertain significance. Last evaluated: 2020-10-19. Review status: criteria provided, single submitter. Criteria: ACMG Guidelines, 2015. Collection method: clinical testing. Allele origin: germline. Affected: yes.

Literature cited by the submitters: PubMed 30687093 (cited by Labcorp Genetics (formerly Invitae), Labcorp).

NM_001376.5(DYNC1H1):c.3665A>G (p.Asn1222Ser)

Gene: DYNC1H1 (dynein cytoplasmic 1 heavy chain 1; plus strand). Cytogenetic location: 14q32.31.
Variant type: single nucleotide variant.
Coding change: c.3665A>G on transcript NM_001376.5 (MANE Select); coding-DNA position 3665, A replaced by G.
Protein change: p.Asn1222Ser; replaces asparagine 1222 with serine.
Molecular consequence: missense variant.
Genome position (GRCh38, 1-based): chr14:101,997,135, A>G. VCF-style: chr14-101997135-A-G. GRCh37 (hg19) VCF-style: chr14-102463472-A-G.
Other names: short protein forms N1222S.
Identifiers: ClinVar variation 992317 (VCV000992317.10), dbSNP rs2048071678, ClinGen allele CA391035988.